The following is an entry in ClinVar:

NM_000525.4(KCNJ11):c.165C>A (p.Phe55Leu)

Gene: KCNJ11 (potassium inwardly rectifying channel subfamily J member 11; minus strand). Cytogenetic location: 11p15.1.
Variant type: single nucleotide variant.
Coding change: c.165C>A on transcript NM_000525.4 (MANE Select); coding-DNA position 165, C replaced by A.
Protein change: p.Phe55Leu; replaces phenylalanine 55 with leucine.
Molecular consequence: missense variant. On other transcripts: intron variant (3).
Genome position (GRCh38, 1-based): chr11:17,387,927, G>T on the plus strand (C>A on the coding strand, the complement: KCNJ11 is on the minus strand). VCF-style: chr11-17387927-G-T. GRCh37 (hg19) VCF-style: chr11-17409474-G-T.
Other names: c.-16-81C>A (NM_001166290.2, NM_001377297.1, NM_001377296.1); short protein forms F55L.
Identifiers: ClinVar variation 2137002 (VCV002137002.2), dbSNP rs1343400778, ClinGen allele CA379776138.
Genomic context (GRCh38, chr11:17,387,927, plus strand): 5'-GAAGATGAGCAATGTGTGTGGCCACTTGAGGTCCACCAGCGTGGTGAACACGTCCTGCAG[G>T]AAGCGGCCCTGCTCCCGGATGTTCTTGTGGGCCACGTTGCAGTTGCCTTTCTTGGACACA-3'
Protein context (NP_000516.3, residues 45-65): AHKNIREQGR[Phe55Leu]LQDVFTTLVD

ClinVar aggregate classification (germline): Conflicting classifications of pathogenicity. Review status: criteria provided, conflicting classifications (1 of 4 stars). 2 submissions from 2 submitters: Likely pathogenic (1); Uncertain significance (1). Last evaluated 2023-08-22.

Conditions:
Type 2 diabetes mellitus. Also called: Type II diabetes mellitus. Identifiers: MedGen C0011860, MeSH D003924, MONDO:0005148, OMIM 125853, HP:0005978.

Allele frequency attached by ClinVar (database versions not stated): gnomAD exomes below 0.00001.
gnomAD v4.1: 3 of 1,610,504 alleles (0.00019%); highest among the groups gnomAD compares: Non-Finnish European, 0.00025%; no homozygotes.

Submissions (2):

Baylor Genetics
Classification: Likely pathogenic for Type 2 diabetes mellitus. Last evaluated: 2023-08-22. Review status: criteria provided, single submitter. Criteria: ACMG Guidelines, 2015. Collection method: clinical testing. Allele origin: unknown.

Labcorp Genetics (formerly Invitae), Labcorp
Classification: Uncertain significance. Last evaluated: 2022-10-04. Review status: criteria provided, single submitter. Criteria: Invitae Variant Classification Sherloc (09022015). Collection method: clinical testing. Allele origin: germline.
Comment: This sequence change replaces phenylalanine, which is neutral and non-polar, with leucine, which is neutral and non-polar, at codon 55 of the KCNJ11 protein (p.Phe55Leu). This variant is present in population databases (no rsID available, gnomAD 0.0009%). This missense change has been observed in individual(s) with paternally inherited hyperinsulinism (PMID: 16332676). Advanced modeling of protein sequence and biophysical properties (such as structural, functional, and spatial information, amino acid conservation, physicochemical variation, residue mobility, and thermodynamic stability) performed at Invitae indicates that this missense variant is expected to disrupt KCNJ11 protein function. Experimental studies have shown that this missense change affects KCNJ11 function (PMID: 16332676). In summary, the available evidence is currently insufficient to determine the role of this variant in disease. Therefore, it has been classified as a Variant of Uncertain Significance.

Literature cited by the submitters: PubMed 16332676 (cited by Labcorp Genetics (formerly Invitae), Labcorp).